The following is an entry in ClinVar:

ClinVar aggregate classification (germline): Conflicting classifications of pathogenicity. Review status: criteria provided, conflicting classifications (1 of 4 stars). 3 submissions from 3 submitters: Likely pathogenic (1); Uncertain significance (1). 1 of the submissions does not count toward it. Last evaluated 2025-01-09.

Conditions:
Autosomal recessive nonsyndromic hearing loss 2. Also called: DEAFNESS, AUTOSOMAL RECESSIVE 2; NEUROSENSORY NONSYNDROMIC RECESSIVE DEAFNESS 2. Identifiers: Orphanet 90636, MedGen C1838701, MONDO:0010807, OMIM 600060.
Usher syndrome type 1B (USH1B). Also called: Usher syndrome type IB. Identifiers: MedGen C1848638, MONDO:0700087.

Submissions (3):

Institute of Rare Diseases, West China Hospital, Sichuan University
Classification: Likely pathogenic for Autosomal recessive nonsyndromic hearing loss 2. Last evaluated: 2025-01-09. Review status: criteria provided, single submitter. Criteria: ClinGen HL ACMG Specifications v1. Collection method: research. Allele origin: germline. Affected: yes.
Comment: PM3;PM5;PM2_Supporting;PP3

GeneDx
Classification: Uncertain significance. Last evaluated: 2019-10-24. Review status: criteria provided, single submitter. Criteria: GeneDx Variant Classification Process June 2021. Collection method: clinical testing. Allele origin: germline. Affected: yes.
Comment: Not observed in large population cohorts (Lek et al., 2016); In silico analysis, which includes protein predictors and evolutionary conservation, supports a deleterious effect; Has not been previously published as pathogenic or benign to our knowledge

Natera, Inc.
Classification: Uncertain significance for Usher syndrome type 1B. Last evaluated: 2021-02-04. Review status: no assertion criteria provided. Collection method: clinical testing. Allele origin: germline. Not counted in ClinVar's aggregate classification.

NM_000260.4(MYO7A):c.1118G>T (p.Arg373Leu)

Gene: MYO7A (myosin VIIA; plus strand). Cytogenetic location: 11q13.5.
Variant type: single nucleotide variant.
Coding change: c.1118G>T on transcript NM_000260.4 (MANE Select); coding-DNA position 1118, G replaced by T.
Protein change: p.Arg373Leu; replaces arginine 373 with leucine.
Molecular consequence: missense variant.
Genome position (GRCh38, 1-based): chr11:77,160,200, G>T. VCF-style: chr11-77160200-G-T. GRCh37 (hg19) VCF-style: chr11-76871246-G-T.
Other names: c.1118G>T, p.Arg373Leu (NM_001127180.2); c.1085G>T, p.Arg362Leu (NM_001369365.1); short protein forms R362L, R373L.
Identifiers: ClinVar variation 1196532 (VCV001196532.4), dbSNP rs201491278, ClinGen allele CA381934371.